The following is an entry in ClinVar:

NM_000540.3(RYR1):c.8809G>A (p.Val2937Ile)

Gene: RYR1 (ryanodine receptor 1; plus strand). Cytogenetic location: 19q13.2.
Variant type: single nucleotide variant.
Coding change: c.8809G>A on transcript NM_000540.3 (MANE Select); coding-DNA position 8809, G replaced by A.
Protein change: p.Val2937Ile; replaces valine 2937 with isoleucine.
Molecular consequence: missense variant.
Genome position (GRCh38, 1-based): chr19:38,506,945, G>A. VCF-style: chr19-38506945-G-A. GRCh37 (hg19) VCF-style: chr19-38997585-G-A.
Other names: c.8809G>A, p.Val2937Ile (NM_001042723.2); short protein forms V2937I.
Identifiers: ClinVar variation 2329892 (VCV002329892.4), dbSNP rs758113450, ClinGen allele CA072720.
Genomic context (GRCh38, chr19:38,506,945, plus strand): 5'-GCACGAGATCGAGAGAAGGCCCAGGAGCTACTGAAATTCCTGCAGATGAATGGCTACGCG[G>A]TTACAAGGCACGCGGGTTGGGGCTCCCGCGGAAGAGCAGCAGGCAGAACACACCCGGCAA-3'
Protein context (NP_000531.2, residues 2927-2947): LKFLQMNGYA[Val2937Ile]TRGLKDMELD

ClinVar aggregate classification (germline): Uncertain significance. Review status: criteria provided, multiple submitters, no conflicts (2 of 4 stars). 3 submissions from 3 submitters: Uncertain significance (3). Last evaluated 2025-06-23.

Conditions:
Inborn genetic diseases. Identifiers: MedGen C0950123, MeSH D030342.
Malignant hyperthermia, susceptibility to, 1 (MHS1). Also called: Malignant hyperthermia suceptibility 1; Anesthesia related hyperthermia; Malignant hyperpyrexia; Fulminating hyperpyrexia; Pharmacogenic myopathy; RYR1-Related Malignant Hyperthermia Susceptibility. Identifiers: Orphanet 423, MedGen C2930980, MONDO:0007783, OMIM 145600.

Allele frequency attached by ClinVar (database versions not stated): gnomAD exomes below 0.00001; ExAC 0.00001; gnomAD 0.00001; TOPMed 0.00001.
gnomAD v4.1: 6 of 1,612,528 alleles (0.00037%); highest among the groups gnomAD compares: African/African-American, 0.0013%; no homozygotes.

Submissions (3):

Color Diagnostics, LLC DBA Color Health
Classification: Uncertain significance for Malignant hyperthermia, susceptibility to, 1. Last evaluated: 2025-06-23. Review status: criteria provided, single submitter. Criteria: ACMG Guidelines, 2015. Collection method: clinical testing. Allele origin: germline.
Comment: This missense variant replaces valine with isoleucine at codon 2937 of the RYR1 protein. Computational prediction suggests that this variant may not impact protein structure and function. To our knowledge, functional studies have not been reported for this variant. This variant has not been reported in individuals affected with RYR1-related disorders in the literature. This variant has been identified in 3/251182 chromosomes in the general population by the Genome Aggregation Database (gnomAD). The available evidence is insufficient to determine the role of this variant in disease conclusively. Therefore, this variant is classified as a Variant of Uncertain Significance.

All of Us Research Program, National Institutes of Health
Classification: Uncertain significance for Malignant hyperthermia, susceptibility to, 1. Last evaluated: 2023-06-28. Review status: criteria provided, single submitter. Criteria: ACMG Guidelines, 2015. Collection method: clinical testing. Allele origin: germline. Inheritance: Autosomal dominant inheritance. Observed: 1 variant allele, 1 heterozygote.
Comment: This study involves interpretation of variants in research participants for the purpose of population health screening. Participant phenotype was not available at the time of variant classification. Additional details can be found in publication PMID: 35346344, PMCID: PMC8962531

Ambry Genetics
Classification: Uncertain significance for Inborn genetic diseases. Last evaluated: 2022-11-30. Review status: criteria provided, single submitter. Criteria: Ambry Variant Classification Scheme 2023. Collection method: clinical testing. Allele origin: germline.